The following is an entry in ClinVar:

ClinVar aggregate classification (germline): Uncertain significance (1 of 4 stars; one submission).

Conditions:
Gorlin syndrome. Also called: Basal cell nevus syndrome; Nevoid Basal Cell Carcinoma Syndrome. Identifiers: Orphanet 377, MedGen C0004779, MONDO:0007187.

Submission:

Labcorp Genetics (formerly Invitae), Labcorp
Classification: Uncertain significance for Gorlin syndrome. Last evaluated: 2018-07-26. Review status: criteria provided, single submitter. Criteria: Invitae Variant Classification Sherloc (09022015). Collection method: clinical testing. Allele origin: germline.
Comment: In summary, the available evidence is currently insufficient to determine the role of this variant in disease. Therefore, it has been classified as a Variant of Uncertain Significance. Algorithms developed to predict the effect of sequence changes on RNA splicing suggest that this variant may create or strengthen a splice site, but this prediction has not been confirmed by published transcriptional studies. Algorithms developed to predict the effect of missense changes on protein structure and function are either unavailable or do not agree on the potential impact of this missense change (SIFT: "Deleterious"; PolyPhen-2: "Probably Damaging"; Align-GVGD: "Class C0"). This variant has not been reported in the literature in individuals with PTCH1-related disease. This variant is not present in population databases (ExAC no frequency). This sequence change replaces asparagine with lysine at codon 1049 of the PTCH1 protein (p.Asn1049Lys). The asparagine residue is highly conserved and there is a moderate physicochemical difference between asparagine and lysine.

NM_000264.5(PTCH1):c.3147C>G (p.Asn1049Lys)

Gene: PTCH1 (patched 1; minus strand). Cytogenetic location: 9q22.32.
Variant type: single nucleotide variant.
Coding change: c.3147C>G on transcript NM_000264.5 (MANE Select); coding-DNA position 3147, C replaced by G.
Protein change: p.Asn1049Lys; replaces asparagine 1049 with lysine.
Molecular consequence: missense variant. On other transcripts: non-coding transcript variant (1).
Genome position (GRCh38, 1-based): chr9:95,458,034, G>C on the plus strand (C>G on the coding strand, the complement: PTCH1 is on the minus strand). VCF-style: chr9-95458034-G-C. GRCh37 (hg19) VCF-style: chr9-98220316-G-C.
Other names: c.2949C>G, p.Asn983Lys (NM_001083602.3); c.3144C>G, p.Asn1048Lys (NM_001083603.3); c.2694C>G, p.Asn898Lys (NM_001083604.3, NM_001083605.3, NM_001083606.3 and 1 more transcripts); c.2991C>G, p.Asn997Lys (NM_001354918.2); short protein forms N1048K, N1049K, N983K, N997K, N898K.
Identifiers: ClinVar variation 641984 (VCV000641984.9), dbSNP rs1588539644, ClinGen allele CA374112290.